The following is an entry in ClinVar:

ClinVar aggregate classification (germline): Uncertain significance (1 of 4 stars; one submission).

Allele frequency attached by ClinVar (database versions not stated): gnomAD exomes below 0.00001; gnomAD 0.00001.

Submission:

Labcorp Genetics (formerly Invitae), Labcorp
Classification: Uncertain significance. Last evaluated: 2025-01-23. Review status: criteria provided, single submitter. Criteria: Invitae Variant Classification Sherloc (09022015). Collection method: clinical testing. Allele origin: germline.
Comment: This sequence change creates a premature translational stop signal (p.Arg223*) in the SAMD9L gene. While this is not anticipated to result in nonsense mediated decay, it is expected to disrupt the last 1362 amino acid(s) of the SAMD9L protein. This variant is present in population databases (rs755977504, gnomAD 0.01%). This variant has not been reported in the literature in individuals affected with SAMD9L-related conditions. ClinVar contains an entry for this variant (Variation ID: 1356696). Experimental studies and prediction algorithms are not available or were not evaluated, and the functional significance of this variant is currently unknown. In summary, the available evidence is currently insufficient to determine the role of this variant in disease. Therefore, it has been classified as a Variant of Uncertain Significance.

NM_152703.5(SAMD9L):c.667C>T (p.Arg223Ter)

Gene: SAMD9L (sterile alpha motif domain containing 9 like; minus strand). Cytogenetic location: 7q21.2.
Variant type: single nucleotide variant.
Coding change: c.667C>T on transcript NM_152703.5 (MANE Select); coding-DNA position 667, C replaced by T.
Protein change: p.Arg223Ter; replaces arginine 223 with a stop codon.
Molecular consequence: nonsense.
Genome position (GRCh38, 1-based): chr7:93,135,305, G>A on the plus strand (C>T on the coding strand, the complement: SAMD9L is on the minus strand). VCF-style: chr7-93135305-G-A. GRCh37 (hg19) VCF-style: chr7-92764618-G-A.
Other names: c.667C>T, p.Arg223Ter (NM_001303496.3, NM_001303497.3, NM_001303498.3 and 5 more transcripts); short protein forms R223*.
Identifiers: ClinVar variation 1356696 (VCV001356696.6), dbSNP rs755977504, ClinGen allele CA161963070.